The following is an entry in ClinVar:

NM_006662.3(SRCAP):c.5527G>C (p.Val1843Leu)

Gene: SRCAP (Snf2 related CREBBP activator protein; plus strand). Cytogenetic location: 16p11.2.
Variant type: single nucleotide variant.
Coding change: c.5527G>C on transcript NM_006662.3 (MANE Select); coding-DNA position 5527, G replaced by C.
Protein change: p.Val1843Leu; replaces valine 1843 with leucine.
Molecular consequence: missense variant.
Genome position (GRCh38, 1-based): chr16:30,724,951, G>C. VCF-style: chr16-30724951-G-C. GRCh37 (hg19) VCF-style: chr16-30736272-G-C.
Other names: short protein forms V1843L.
Identifiers: ClinVar variation 4744725 (VCV004744725.1).

ClinVar aggregate classification (germline): Uncertain significance (1 of 4 stars; one submission).

gnomAD v4.1: 1 of 1,614,178 alleles (0.000062%); highest among the groups gnomAD compares: Non-Finnish European, 0.000085%; no homozygotes.

Submission:

Labcorp Genetics (formerly Invitae), Labcorp
Classification: Uncertain significance. Last evaluated: 2025-04-07. Review status: criteria provided, single submitter. Criteria: Invitae Variant Classification Sherloc (09022015). Collection method: clinical testing. Allele origin: germline.
Comment: This sequence change replaces valine, which is neutral and non-polar, with leucine, which is neutral and non-polar, at codon 1843 of the SRCAP protein (p.Val1843Leu). This variant is not present in population databases (gnomAD no frequency). This variant has not been reported in the literature in individuals affected with SRCAP-related conditions. Invitae Evidence Modeling of protein sequence and biophysical properties (such as structural, functional, and spatial information, amino acid conservation, physicochemical variation, residue mobility, and thermodynamic stability) indicates that this missense variant is not expected to disrupt SRCAP protein function with a negative predictive value of 80%. In summary, the available evidence is currently insufficient to determine the role of this variant in disease. Therefore, it has been classified as a Variant of Uncertain Significance.